The following is an entry in ClinVar:

ClinVar aggregate classification (germline): Pathogenic (1 of 4 stars; one submission).

Conditions:
Cardiovascular phenotype. Identifiers: MedGen CN230736.

Submission:

Molecular Diagnostic Laboratory for Inherited Cardiovascular Disease, Montreal Heart Institute
Classification: Pathogenic for Cardiovascular phenotype. Last evaluated: 2026-04-03. Review status: criteria provided, single submitter. Criteria: ACMG Guidelines, 2015. Collection method: clinical testing. Allele origin: germline. Affected: yes.
Comment: PVS1, PS4_supp, PM1, PM2

NM_004006.2:c.(7098+1_7099-1)_(8027+1_8028-1)del

Gene: DMD (dystrophin; minus strand).
Variant type: Deletion.
Identifiers: ClinVar variation 5037900 (VCV005037900.1).